The following is an entry in ClinVar:

NM_015001.3(SPEN):c.4114G>C (p.Asp1372His)

Gene: SPEN (spen family transcriptional repressor; plus strand). Cytogenetic location: 1p36.13.
Variant type: single nucleotide variant.
Coding change: c.4114G>C on transcript NM_015001.3 (MANE Select); coding-DNA position 4114, G replaced by C.
Protein change: p.Asp1372His; replaces aspartic acid 1372 with histidine.
Molecular consequence: missense variant.
Genome position (GRCh38, 1-based): chr1:15,930,354, G>C. VCF-style: chr1-15930354-G-C. GRCh37 (hg19) VCF-style: chr1-16256849-G-C.
Other names: short protein forms D1372H.
Identifiers: ClinVar variation 4982232 (VCV004982232.1).
Genomic context (GRCh38, chr1:15,930,354, plus strand): 5'-GATGTGAGTTTCCCAAACAGCATAATTAAGAGAGATAGCCTTCGAAAAAGGTCTGTACGA[G>C]ATCTGGAACCTGGTGAGGTGCCTTCTGATTCTGACGAAGATGGTGAACACAAATCCCACT-3'
Protein context (NP_055816.2, residues 1362-1382): RDSLRKRSVR[Asp1372His]LEPGEVPSDS

ClinVar aggregate classification (germline): Uncertain significance (1 of 4 stars; one submission).

Conditions:
SPEN-related disorder. Also called: SPEN-related condition.

gnomAD v4.1: 1 of 1,613,504 alleles (0.000062%); highest among the groups gnomAD compares: African/African-American, 0.0013%; no homozygotes.

Submission:

PreventionGenetics, part of Exact Sciences
Classification: Uncertain significance for SPEN-related condition. Last evaluated: 2025-12-17. Review status: criteria provided, single submitter. Criteria: ACMG Guidelines, 2015. Collection method: clinical testing. Allele origin: germline.
Comment: The SPEN c.4114G>C variant is predicted to result in the amino acid substitution p.Asp1372His. To our knowledge, this variant has not been reported in the literature. This variant is reported in 0.0080% of alleles in individuals of African descent in gnomAD. At this time, the clinical significance of this variant is uncertain due to the absence of conclusive functional and genetic evidence.